The following is an entry in ClinVar:

NM_024870.4(PREX2):c.3689G>A (p.Arg1230Gln)

Gene: PREX2 (phosphatidylinositol-3,4,5-trisphosphate dependent Rac exchange factor 2; plus strand). Cytogenetic location: 8q13.2.
Variant type: single nucleotide variant.
Coding change: c.3689G>A on transcript NM_024870.4 (MANE Select); coding-DNA position 3689, G replaced by A.
Protein change: p.Arg1230Gln; replaces arginine 1230 with glutamine.
Molecular consequence: missense variant.
Genome position (GRCh38, 1-based): chr8:68,121,014, G>A. VCF-style: chr8-68121014-G-A. GRCh37 (hg19) VCF-style: chr8-69033249-G-A.
Other names: short protein forms R1230Q.
Identifiers: ClinVar variation 3049580 (VCV003049580.2), dbSNP rs114811202, ClinGen allele CA4774538.

ClinVar aggregate classification (germline): Benign (0 of 4 stars; one submission).

Conditions:
PREX2-related disorder. Also called: PREX2-related condition.

Allele frequency attached by ClinVar (database versions not stated): gnomAD exomes 0.00124; ExAC 0.00315; gnomAD 0.00949; TOPMed 0.01080; ESP Exome Variant Server 0.01115; 1000 Genomes Project 30x 0.01280; 1000 Genomes Project 0.01318.
gnomAD v4.1: 3,361 of 1,613,638 alleles (0.21%); highest among the groups gnomAD compares: African/African-American, 3.1%; 45 homozygotes.

Submission:

PreventionGenetics, part of Exact Sciences
Classification: Benign for PREX2-related condition. Last evaluated: 2019-03-08. Review status: no assertion criteria provided. Collection method: clinical testing. Allele origin: germline.
Comment: This variant is classified as benign based on ACMG/AMP sequence variant interpretation guidelines (Richards et al. 2015 PMID: 25741868, with internal and published modifications).